The following is an entry in ClinVar:

NM_153676.4(USH1C):c.2261G>A (p.Arg754Gln)

Gene: USH1C (USH1 protein network component harmonin; minus strand). Cytogenetic location: 11p15.1.
Variant type: single nucleotide variant.
Coding change: c.2261G>A on transcript NM_153676.4 (MANE Select); coding-DNA position 2261, G replaced by A.
Protein change: p.Arg754Gln; replaces arginine 754 with glutamine.
Molecular consequence: missense variant. On other transcripts: non-coding transcript variant (1).
Genome position (GRCh38, 1-based): chr11:17,501,501, C>T on the plus strand (G>A on the coding strand, the complement: USH1C is on the minus strand). VCF-style: chr11-17501501-C-T. GRCh37 (hg19) VCF-style: chr11-17523048-C-T.
Other names: c.1361G>A (NM_005709.3); c.1304G>A, p.Arg435Gln (NM_001297764.2); c.1361G>A, p.Arg454Gln (NM_005709.4); short protein forms R454Q, R435Q, R754Q.
Identifiers: ClinVar variation 2051057 (VCV002051057.2), dbSNP rs770171347, ClinGen allele CA5904258.

ClinVar aggregate classification (germline): Uncertain significance. Review status: criteria provided, multiple submitters, no conflicts (2 of 4 stars). 2 submissions from 2 submitters: Uncertain significance (2). Last evaluated 2025-06-10.

Allele frequency attached by ClinVar (database versions not stated): gnomAD 0.00001; TOPMed below 0.00001; ExAC 0.00003; gnomAD exomes 0.00001.
gnomAD v4.1: 13 of 1,613,094 alleles (0.00081%); highest among the groups gnomAD compares: Admixed American, 0.005%; no homozygotes.

Submissions (2):

GeneDx
Classification: Uncertain significance. Last evaluated: 2025-06-10. Review status: criteria provided, single submitter. Criteria: GeneDx Variant Classification Process June 2021. Collection method: clinical testing. Allele origin: germline. Affected: yes.
Comment: In silico analysis suggests that this missense variant does not alter protein structure/function; Has not been previously published as pathogenic or benign to our knowledge

Labcorp Genetics (formerly Invitae), Labcorp
Classification: Uncertain significance. Last evaluated: 2022-07-18. Review status: criteria provided, single submitter. Criteria: Invitae Variant Classification Sherloc (09022015). Collection method: clinical testing. Allele origin: germline.
Comment: This sequence change replaces arginine, which is basic and polar, with glutamine, which is neutral and polar, at codon 454 of the USH1C protein (p.Arg454Gln). This variant is present in population databases (rs770171347, gnomAD 0.01%). This variant has not been reported in the literature in individuals affected with USH1C-related conditions. Algorithms developed to predict the effect of missense changes on protein structure and function are either unavailable or do not agree on the potential impact of this missense change (SIFT: "Tolerated"; PolyPhen-2: "Possibly Damaging"; Align-GVGD: "Class C0"). In summary, the available evidence is currently insufficient to determine the role of this variant in disease. Therefore, it has been classified as a Variant of Uncertain Significance.